The following is an entry in ClinVar:

NM_002769.5(PRSS1):c.504G>C (p.Gln168His)

Genes: PRSS1 (serine protease 1; plus strand), TRB (T cell receptor beta locus; plus strand). Cytogenetic location: 7q34.
Variant type: single nucleotide variant.
Coding change: c.504G>C on transcript NM_002769.5 (MANE Select); coding-DNA position 504, G replaced by C.
Protein change: p.Gln168His; replaces glutamine 168 with histidine.
Molecular consequence: missense variant. On other transcripts: non-coding transcript variant (5).
Genome position (GRCh38, 1-based): chr7:142,752,480, G>C. VCF-style: chr7-142752480-G-C. GRCh37 (hg19) VCF-style: chr7-142460331-G-C.
Other names: short protein forms Q168H.
Identifiers: ClinVar variation 1745024 (VCV001745024.4), dbSNP rs1367226833, ClinGen allele CA369609557.
Genomic context (GRCh38, chr7:142,752,480, plus strand): 5'-GATCCTCACAGCCGACTACCCAGACGAGCTGCAGTGCCTGGATGCTCCTGTGCTGAGCCA[G>C]GCTAAGTGTGAAGCCTCCTACCCTGGAAAGATTACCAGCAACATGTTCTGTGTGGGCTTC-3'
Protein context (NP_002760.1, residues 158-178): LQCLDAPVLS[Gln168His]AKCEASYPGK

ClinVar aggregate classification (germline): Uncertain significance. Review status: criteria provided, multiple submitters, no conflicts (2 of 4 stars). 2 submissions from 2 submitters: Uncertain significance (2). Last evaluated 2025-02-20.

Conditions:
Hereditary pancreatitis (PCTT). Also called: Hereditary chronic pancreatitis; PRSS1-Related Hereditary Pancreatitis. Identifiers: Orphanet 676, MedGen C0238339, MONDO:0008185, OMIM 167800.

Allele frequency attached by ClinVar (database versions not stated): gnomAD exomes below 0.00001; gnomAD 0.00001.
gnomAD v4.1: 3 of 1,614,058 alleles (0.00019%); highest among the groups gnomAD compares: East Asian, 0.0022%; no homozygotes.

Submissions (2):

Labcorp Genetics (formerly Invitae), Labcorp
Classification: Uncertain significance for Hereditary pancreatitis. Last evaluated: 2025-02-20. Review status: criteria provided, single submitter. Criteria: Invitae Variant Classification Sherloc (09022015). Collection method: clinical testing. Allele origin: germline.
Comment: This sequence change replaces glutamine, which is neutral and polar, with histidine, which is basic and polar, at codon 168 of the PRSS1 protein (p.Gln168His). The frequency data for this variant in the population databases is considered unreliable, as metrics indicate poor data quality at this position in the gnomAD database. This variant has not been reported in the literature in individuals affected with PRSS1-related conditions. ClinVar contains an entry for this variant (Variation ID: 1745024). Invitae Evidence Modeling of protein sequence and biophysical properties (such as structural, functional, and spatial information, amino acid conservation, physicochemical variation, residue mobility, and thermodynamic stability) indicates that this missense variant is not expected to disrupt PRSS1 protein function with a negative predictive value of 80%. In summary, the available evidence is currently insufficient to determine the role of this variant in disease. Therefore, it has been classified as a Variant of Uncertain Significance.

Ambry Genetics
Classification: Uncertain significance for Hereditary pancreatitis. Last evaluated: 2024-03-28. Review status: criteria provided, single submitter. Criteria: Ambry Variant Classification Scheme 2023. Collection method: clinical testing. Allele origin: germline.
Comment: The p.Q168H variant (also known as c.504G>C), located in coding exon 4 of the PRSS1 gene, results from a G to C substitution at nucleotide position 504. The glutamine at codon 168 is replaced by histidine, an amino acid with highly similar properties. This amino acid position is conserved. In addition, this alteration is predicted to be tolerated by in silico analysis. Since supporting evidence is limited at this time, the clinical significance of this alteration remains unclear.